The following is an entry in ClinVar:

ClinVar aggregate classification (germline): Uncertain significance (1 of 4 stars; one submission).

Conditions:
Hereditary cancer-predisposing syndrome. Also called: Neoplastic Syndromes, Hereditary; Tumor predisposition; Hereditary neoplastic syndrome; Hereditary Cancer Syndrome. Identifiers: Orphanet 140162, MedGen C0027672, MeSH D009386, MONDO:0015356.

gnomAD v4.1: 1 of 1,609,248 alleles (0.000062%); highest among the groups gnomAD compares: South Asian, 0.0011%; no homozygotes.

Submission:

Ambry Genetics
Classification: Uncertain significance for Hereditary cancer-predisposing syndrome. Last evaluated: 2026-09-02. Review status: criteria provided, single submitter. Criteria: Ambry Variant Classification Scheme 2023. Collection method: clinical testing. Allele origin: germline.
Comment: The p.T411I variant (also known as c.1232C>T) is located in coding exon 8 of the KIT gene. The threonine at codon 411 is replaced by isoleucine, an amino acid with similar properties. This change occurs in the first base pair of coding exon 8. This amino acid position is conserved. In addition, this alteration is predicted to be tolerated by in silico analysis. Based on the available evidence, the clinical significance of this variant remains unclear.

NM_000222.3(KIT):c.1232C>T (p.Thr411Ile)

Gene: KIT (KIT proto-oncogene, receptor tyrosine kinase; plus strand). Cytogenetic location: 4q12.
Variant type: single nucleotide variant.
Coding change: c.1232C>T on transcript NM_000222.3 (MANE Select); coding-DNA position 1232, C replaced by T.
Protein change: p.Thr411Ile; replaces threonine 411 with isoleucine.
Molecular consequence: missense variant.
Genome position (GRCh38, 1-based): chr4:54,723,584, C>T. VCF-style: chr4-54723584-C-T. GRCh37 (hg19) VCF-style: chr4-55589750-C-T.
Other names: c.1232C>T, p.Thr411Ile (NM_001093772.2, NM_001385285.1, NM_001385286.1); c.1235C>T, p.Thr412Ile (NM_001385284.1, NM_001385288.1, NM_001385290.1 and 1 more transcripts); short protein forms T411I, T412I.
Identifiers: ClinVar variation 5023343 (VCV005023343.1).